The following is an entry in ClinVar:

NM_000238.4(KCNH2):c.934C>T (p.Arg312Cys)

Gene: KCNH2 (potassium voltage-gated channel subfamily H member 2; minus strand). Cytogenetic location: 7q36.1.
Variant type: single nucleotide variant.
Coding change: c.934C>T on transcript NM_000238.4 (MANE Select); coding-DNA position 934, C replaced by T.
Protein change: p.Arg312Cys; replaces arginine 312 with cysteine.
Molecular consequence: missense variant.
Genome position (GRCh38, 1-based): chr7:150,957,485, G>A on the plus strand (C>T on the coding strand, the complement: KCNH2 is on the minus strand). VCF-style: chr7-150957485-G-A. GRCh37 (hg19) VCF-style: chr7-150654573-G-A.
Other names: c.934C>T (LRG_288t1); c.646C>T, p.Arg216Cys (NM_001406753.1, NM_001406756.1); c.757C>T, p.Arg253Cys (NM_001406755.1); c.634C>T, p.Arg212Cys (NM_001406757.1); c.934C>T, p.Arg312Cys (NM_172056.3); short protein forms R312C, R212C, R253C, R216C.
Identifiers: ClinVar variation 67547 (VCV000067547.28), dbSNP rs199472885, ClinGen allele CA009009.
Genomic context (GRCh38, chr7:150,957,485, plus strand): 5'-TGCTAATGGTGCGGTAGCGCACGAGGTCGGAGTCCGAGGTGGAGTTGAGCAAGCCGCTGC[G>A]CAGTGGGTGCATGGCCCCTAGGTGGAGAGGCAGCGTGGTCAGGCCAGCAGCCCAGGGCCC-3'
Protein context (NP_000229.1, residues 302-322): HASTGAMHPL[Arg312Cys]SGLLNSTSDS

ClinVar aggregate classification (germline): Uncertain significance. Review status: criteria provided, multiple submitters, no conflicts (2 of 4 stars). 11 submissions from 11 submitters: Uncertain significance (9). 2 of the submissions do not count toward it. Last evaluated 2026-06-12.

Conditions:
KCNH2-related disorder. Also called: KCNH2-related disorders; KCNH2-related condition.
Cardiovascular phenotype. Identifiers: MedGen CN230736.
Cardiac arrhythmia. Also called: Arrhythmia; Cardiac rhythm disease. Identifiers: MedGen C0003811, MONDO:0007263, HP:0011675.
Familial long QT syndrome (RWS). Also called: Congenital long QT syndrome; Romano-Ward syndrome; VENTRICULAR FIBRILLATION WITH PROLONGED QT INTERVAL. Identifiers: Orphanet 768, MedGen C1141890, MONDO:0019171.
Short QT syndrome type 1. Identifiers: Orphanet 51083, MedGen C1865020, MONDO:0012312, OMIM 609620.
Long QT syndrome 2 (LQT2). Identifiers: Orphanet 101016, Orphanet 768, MedGen C3150943, MONDO:0013367, OMIM 613688.
Long QT syndrome (LQTS). Identifiers: MedGen C0023976, MeSH D008133, MONDO:0002442. Disease mechanism: loss of function. Inheritance: Various modes of inheritance.

Allele frequency attached by ClinVar (database versions not stated): gnomAD exomes 0.00004 and 0.00010; TOPMed 0.00006; gnomAD 0.00008; ExAC 0.00004.
gnomAD v4.1: 73 of 1,613,538 alleles (0.0045%); highest among the groups gnomAD compares: Admixed American, 0.072%; no homozygotes.

Submissions (11):

PreventionGenetics, part of Exact Sciences
Classification: Uncertain significance for KCNH2-related condition. Last evaluated: 2026-06-12. Review status: criteria provided, single submitter. Criteria: ACMG Guidelines, 2015. Collection method: clinical testing. Allele origin: germline.
Comment: The KCNH2 c.934C>T variant is predicted to result in the amino acid substitution p.Arg312Cys. This variant has been reported in multiple related and unrelated individuals with long QT syndrome (Splawski et al. 2000. PubMed ID: 10973849; Table S4, Ng et al. 2013. PubMed ID: 23861362; Song et al. 2018. PubMed ID: 30246897; eTable2, Shimizu et al. 2019. PubMed ID: 30758498). This variant is reported in 0.059% of alleles in individuals of Latino descent in gnomAD, which may be too frequent to be a primary cause of disease. This variant is classified as uncertain in ClinVar (Variation ID: 67547). At this time, the clinical significance of this variant is uncertain due to the absence of conclusive functional and genetic evidence.

Dasa
Classification: Uncertain significance. Last evaluated: 2026-01-16. Review status: criteria provided, single submitter. Criteria: DASA Assertion Criteria. Collection method: clinical testing. Allele origin: germline.
Comment: NM_000238.4(KCNH2):c.934C>T (p.Arg312Cys) is a missense variant that results in the substitution of arginine with cysteine. This variant is rare in population databases. Computational prediction algorithms are consistent with a deleterious effect. The currently available literature and clinical evidence are not sufficient to establish a definitive association between this variant and the reported condition. Therefore, this variant is classified as a variant of uncertain significance.

Labcorp Genetics (formerly Invitae), Labcorp
Classification: Uncertain significance for Long QT syndrome. Last evaluated: 2025-12-24. Review status: criteria provided, single submitter. Criteria: Invitae Variant Classification Sherloc (09022015). Collection method: clinical testing. Allele origin: germline.
Comment: This sequence change replaces arginine, which is basic and polar, with cysteine, which is neutral and slightly polar, at codon 312 of the KCNH2 protein (p.Arg312Cys). This variant is present in population databases (rs199472885, gnomAD 0.06%), and has an allele count higher than expected for a pathogenic variant. This missense change has been observed in individual(s) with clinical features of KCNH2-related conditions (PMID: 10973849, 23861362, 30246897). ClinVar contains an entry for this variant (Variation ID: 67547). An algorithm developed to predict the effect of missense changes on protein structure and function (PolyPhen-2) suggests that this variant is likely to be disruptive. In summary, the available evidence is currently insufficient to determine the role of this variant in disease. Therefore, it has been classified as a Variant of Uncertain Significance.

Women's Health and Genetics/Laboratory Corporation of America, LabCorp
Classification: Uncertain significance. Last evaluated: 2025-01-28. Review status: criteria provided, single submitter. Criteria: LabCorp Variant Classification Summary - May 2015. Collection method: clinical testing. Allele origin: germline.
Comment: Variant summary: KCNH2 c.934C>T (p.Arg312Cys) results in a non-conservative amino acid change in the encoded protein sequence. Five of five in-silico tools predict a damaging effect of the variant on protein function. The variant allele was found at a frequency of 0.0001 in 250256 control chromosomes, predominantly at a frequency of 0.00058 within the Latino subpopulation in the gnomAD database. The observed variant frequency within Latino control individuals in the gnomAD database is approximately 5 fold of the estimated maximal expected allele frequency for a pathogenic variant in KCNH2 causing Long QT Syndrome phenotype (0.00012). This variant was also observed in gnomAD v4 with 73 heterozygotes. c.934C>T has been reported in the literature in and individual with sinus bradycardia, first-degree atrioventricular block, moderate mitral regurgitation, and impaired left ventricular relaxation on ECHO (Ng_2013), in an infant with isolated isolated bi-ventricular non-compaction presented with restrictive hemodynamics (Miura_2019) and in several individuals with Long QT syndrome and autism (e.g. Splawski_2000, Song_2018, Shimizu_2009, Kapplinger_2009, Lee_2021). To our knowledge, no experimental evidence demonstrating an impact on protein function has been reported. The following publications have been ascertained in the context of this evaluation (PMID: 19716085, 34712263, 30996762, 23861362, 30246897, 10973849, 15051636). ClinVar contains an entry for this variant (Variation ID: 67547). Based on the evidence outlined above, the variant was classified as VUS-possibly benign.

All of Us Research Program, National Institutes of Health
Classification: Uncertain significance for Long QT syndrome. Last evaluated: 2024-09-23. Review status: criteria provided, single submitter. Criteria: ACMG Guidelines, 2015. Collection method: clinical testing. Allele origin: germline. Inheritance: Autosomal dominant inheritance. Observed: 49 variant alleles, 49 heterozygotes.
Comment: This missense variant replaces arginine with cysteine at codon 312 of the KCNH2 protein. Computational prediction suggests that this variant may have deleterious impact on protein structure and function (internally defined REVEL score threshold >= 0.7, PMID: 27666373). To our knowledge, functional studies have not been reported for this variant. This variant has been reported in two individuals affected with long QT syndrome (PMID: 10973849, 19716085, 30246897), and in an individual affected with dilated cardiomyopathy, who also carried a pathogenic variant in the MYH7 gene that could explain the observed phenotype (PMID: 30996762). This variant has been identified in 26/281662 chromosomes in the general population by the Genome Aggregation Database (gnomAD). The available evidence is insufficient to determine the role of this variant in disease conclusively. Therefore, this variant is classified as a Variant of Uncertain Significance.

This study involves interpretation of variants in research participants for the purpose of population health screening. Participant phenotype was not available at the time of variant classification. Additional details can be found in publication PMID: 35346344, PMCID: PMC8962531

Color Diagnostics, LLC DBA Color Health
Classification: Uncertain significance for Cardiac arrhythmia. Last evaluated: 2023-11-29. Review status: criteria provided, single submitter. Criteria: ACMG Guidelines, 2015. Collection method: clinical testing. Allele origin: germline.
Comment: This missense variant replaces arginine with cysteine at codon 312 of the KCNH2 protein. Computational prediction suggests that this variant may have deleterious impact on protein structure and function (internally defined REVEL score threshold >= 0.7, PMID: 27666373). To our knowledge, functional studies have not been reported for this variant. This variant has been reported in two individuals affected with long QT syndrome (PMID: 10973849, 19716085, 30246897), and in an individual affected with dilated cardiomyopathy, who also carried a pathogenic variant in the MYH7 gene that could explain the observed phenotype (PMID: 30996762). This variant has been identified in 26/281662 chromosomes in the general population by the Genome Aggregation Database (gnomAD). The available evidence is insufficient to determine the role of this variant in disease conclusively. Therefore, this variant is classified as a Variant of Uncertain Significance.

Mayo Clinic Laboratories, Mayo Clinic
Classification: Uncertain significance. Last evaluated: 2021-04-29. Review status: criteria provided, single submitter. Criteria: ACMG Guidelines, 2015. Collection method: clinical testing. Allele origin: germline.

Ambry Genetics
Classification: Uncertain significance for Cardiovascular phenotype. Last evaluated: 2021-04-05. Review status: criteria provided, single submitter. Criteria: Ambry Variant Classification Scheme 2023. Collection method: clinical testing. Allele origin: germline.

Biesecker Lab/Clinical Genomics Section, National Institutes of Health
Classification: Uncertain significance for Long QT syndrome. Last evaluated: 2018-04-05. Review status: criteria provided, single submitter. Criteria: ACMG Guidelines, 2015. Collection method: research. Allele origin: unknown. Affected: no. Observed: 1 variant allele.
Comment: The study set was not selected for affection status in relation to arrhythmia or cardiomyopathy. Pathogenicity categories were based on literature curation. See Pubmed ID:25741868 for details.

Medical sequencing

Cardiovascular Biomedical Research Unit, Royal Brompton & Harefield NHS Foundation Trust
No classification provided. Condition: Familial long QT syndrome. Review status: no classification provided. Collection method: literature only. Allele origin: germline. Not counted in ClinVar's aggregate classification.
Comment: This variant has been reported as associated with Long QT syndrome in the following publications (PMID:10973849;PMID:15051636;PMID:19716085). This is a literature report, and does not necessarily reflect the clinical interpretation of the Imperial College / Royal Brompton Cardiovascular Genetics laboratory.

Fulgent Genetics
Classification: Pathogenic for Short QT syndrome type 1; Long QT syndrome 2. Last evaluated: 2017-05-18. Review status: flagged submission. Criteria: ACMG Guidelines, 2015. Collection method: clinical testing. Allele origin: unknown. Not counted in ClinVar's aggregate classification.
ClinVar note: Reason: Outlier claim with insufficient supporting evidence

Literature cited by the submitters: PubMed 10973849 (cited by 5 submitters); PubMed 23861362 (cited by Labcorp Genetics (formerly Invitae), Labcorp and Women's Health and Genetics/Laboratory Corporation of America, LabCorp); PubMed 30246897 (cited by 4 submitters); PubMed 15051636 (cited by Women's Health and Genetics/Laboratory Corporation of America, LabCorp and Cardiovascular Biomedical Research Unit, Royal Brompton & Harefield NHS Foundation Trust); PubMed 19716085 (cited by 4 submitters); PubMed 30996762 (cited by 3 submitters); PubMed 34712263 (cited by Women's Health and Genetics/Laboratory Corporation of America, LabCorp); PubMed 22581653 (cited by Cardiovascular Biomedical Research Unit, Royal Brompton & Harefield NHS Foundation Trust).